The following is an entry in ClinVar:

NM_002317.7(LOX):c.912T>C (p.Tyr304=)

Genes: LOX (lysyl oxidase; minus strand), SRFBP1 (serum response factor binding protein 1; plus strand). Cytogenetic location: 5q23.1.
Variant type: single nucleotide variant.
Coding change: c.912T>C on transcript NM_002317.7 (MANE Select); coding-DNA position 912, T replaced by C.
Protein change: p.Tyr304=; no amino-acid change (tyrosine 304 retained).
Molecular consequence: synonymous variant.
Genome position (GRCh38, 1-based): chr5:122,074,136, A>G on the plus strand (T>C on the coding strand, the complement: LOX is on the minus strand). VCF-style: chr5-122074136-A-G. GRCh37 (hg19) VCF-style: chr5-121409831-A-G.
Other names: c.222T>C, p.Tyr74= (NM_001178102.2); c.21T>C, p.Tyr7= (NM_001317073.1).
Identifiers: ClinVar variation 3026756 (VCV003026756.22), dbSNP rs1754543305, ClinGen allele CA446051290.

ClinVar aggregate classification (germline): Likely benign (1 of 4 stars; one submission).

Submission:

CeGaT Center for Human Genetics Tuebingen
Classification: Likely benign. Last evaluated: 2024-01-01. Review status: criteria provided, single submitter. Criteria: CeGaT Center For Human Genetics Tuebingen Variant Classification Criteria Version 2. Collection method: clinical testing. Allele origin: germline. Affected: yes. Observed: 1 variant allele.
Comment: LOX: PM2:Supporting, BP4, BP7